The following is an entry in ClinVar:

ClinVar aggregate classification (germline): Uncertain significance (1 of 4 stars; one submission).

Conditions:
Hereditary cancer-predisposing syndrome. Also called: Neoplastic Syndromes, Hereditary; Tumor predisposition; Hereditary Cancer Syndrome; Hereditary neoplastic syndrome. Identifiers: Orphanet 140162, MedGen C0027672, MeSH D009386, MONDO:0015356.

Submission:

Ambry Genetics
Classification: Uncertain significance for Hereditary cancer-predisposing syndrome. Last evaluated: 2026-06-09. Review status: criteria provided, single submitter. Criteria: Ambry Variant Classification Scheme 2023. Collection method: clinical testing. Allele origin: germline.
Comment: The p.E362G variant (also known as c.1085A>G), located in coding exon 7 of the FH gene, results from an A to G substitution at nucleotide position 1085. The glutamic acid at codon 362 is replaced by glycine, an amino acid with similar properties. Another alteration at the same codon, p.E362Q (c.1084G>C), has been detected in the homozygous state in two siblings who were both diagnosed with progressive encephalopathy, dystonia, leukopenia, and neutropenia. Of note, this variant was referred to as E319Q (c.955G>C) in this publication (Bourgeron T et al. J. Clin. Invest. 1994 Jun;93:2514-8). Functional studies performed in fibroblasts of an individual homozygous for the p.E362Q variant indicated an accumulation of fumarate in whole cell lysates showing an overall FH enzymatic deficiency (Raimundo N et al. Biochim. Biophys. Acta. 2008 May;1782:287-94). This amino acid position is highly conserved in available vertebrate species. In addition, this alteration is predicted to be deleterious by in silico analysis. Based on the available evidence, the clinical significance of this variant remains unclear.

NM_000143.4(FH):c.1085A>G (p.Glu362Gly)

Gene: FH (fumarate hydratase; minus strand). Cytogenetic location: 1q43.
Variant type: single nucleotide variant.
Coding change: c.1085A>G on transcript NM_000143.4 (MANE Select); coding-DNA position 1085, A replaced by G.
Protein change: p.Glu362Gly; replaces glutamic acid 362 with glycine.
Molecular consequence: missense variant.
Genome position (GRCh38, 1-based): chr1:241,504,065, T>C on the plus strand (A>G on the coding strand, the complement: FH is on the minus strand). VCF-style: chr1-241504065-T-C. GRCh37 (hg19) VCF-style: chr1-241667365-T-C.
Other names: short protein forms E362G.
Identifiers: ClinVar variation 1787428 (VCV001787428.3), dbSNP rs2527319113, ClinGen allele CA345437982.